The following is an entry in ClinVar:

ClinVar aggregate classification (germline): Uncertain significance. Review status: criteria provided, multiple submitters, no conflicts (2 of 4 stars). 4 submissions from 4 submitters: Uncertain significance (4). Last evaluated 2025-10-01.

Conditions:
Complement component 5 deficiency. Also called: C5 DEFICIENCY. Identifiers: MedGen C0343047, MONDO:0012295, OMIM 609536.

Allele frequency attached by ClinVar (database versions not stated): gnomAD 0.00004 and 0.00005; TOPMed 0.00005; gnomAD exomes 0.00006 and 0.00014; ESP Exome Variant Server 0.00008; ExAC 0.00011; 1000 Genomes Project 30x 0.00016; 1000 Genomes Project 0.00020.
gnomAD v4.1: 102 of 1,613,982 alleles (0.0063%); highest among the groups gnomAD compares: East Asian, 0.058%; no homozygotes.

Submissions (4):

Labcorp Genetics (formerly Invitae), Labcorp
Classification: Uncertain significance. Last evaluated: 2025-10-01. Review status: criteria provided, single submitter. Criteria: Invitae Variant Classification Sherloc (09022015). Collection method: clinical testing. Allele origin: germline.
Comment: This sequence change replaces arginine, which is basic and polar, with tryptophan, which is neutral and slightly polar, at codon 1478 of the C5 protein (p.Arg1478Trp). This variant is present in population databases (rs138933092, gnomAD 0.06%). This variant has not been reported in the literature in individuals affected with C5-related conditions. ClinVar contains an entry for this variant (Variation ID: 1409033). Invitae Evidence Modeling of protein sequence and biophysical properties (such as structural, functional, and spatial information, amino acid conservation, physicochemical variation, residue mobility, and thermodynamic stability) indicates that this missense variant is expected to disrupt C5 protein function with a positive predictive value of 80%. In summary, the available evidence is currently insufficient to determine the role of this variant in disease. Therefore, it has been classified as a Variant of Uncertain Significance.

Ambry Genetics
Classification: Uncertain significance. Last evaluated: 2025-01-31. Review status: criteria provided, single submitter. Criteria: Ambry Variant Classification Scheme 2023. Collection method: clinical testing. Allele origin: germline.

Genomic Medicine Center of Excellence, King Faisal Specialist Hospital and Research Centre
Classification: Uncertain significance for Complement component 5 deficiency. Last evaluated: 2024-12-18. Review status: criteria provided, single submitter. Criteria: ACMG Guidelines, 2015. Collection method: clinical testing. Allele origin: germline.

Blueprint Genetics
Classification: Uncertain significance. Last evaluated: 2024-01-09. Review status: criteria provided, single submitter. Criteria: ACMG Guidelines, 2015. Collection method: clinical testing. Allele origin: germline.

NM_001735.3(C5):c.4432C>T (p.Arg1478Trp)

Gene: C5 (complement C5; minus strand). Cytogenetic location: 9q33.2.
Variant type: single nucleotide variant.
Coding change: c.4432C>T on transcript NM_001735.3 (MANE Select); coding-DNA position 4432, C replaced by T.
Protein change: p.Arg1478Trp; replaces arginine 1478 with tryptophan.
Molecular consequence: missense variant.
Genome position (GRCh38, 1-based): chr9:120,962,743, G>A on the plus strand (C>T on the coding strand, the complement: C5 is on the minus strand). VCF-style: chr9-120962743-G-A. GRCh37 (hg19) VCF-style: chr9-123725021-G-A.
Other names: c.4432C>T (NM_001735.2); c.4450C>T, p.Arg1484Trp (NM_001317163.2); short protein forms R1484W, R1478W.
Identifiers: ClinVar variation 1409033 (VCV001409033.9), dbSNP rs138933092, ClinGen allele CA5217175.